The following is an entry in ClinVar:

ClinVar aggregate classification (germline): Pathogenic. Review status: criteria provided, multiple submitters, no conflicts (2 of 4 stars). 5 submissions from 5 submitters: Pathogenic (3). 2 of the submissions do not count toward it. Last evaluated 2026-02-02.

Conditions:
DNAAF1-related disorders.
Primary ciliary dyskinesia. Also called: Ciliary dyskinesia. Identifiers: Orphanet 244, MedGen C0008780, MONDO:0016575, HP:0012265.
Kartagener syndrome (CILD1). Also called: CILIARY DYSKINESIA, PRIMARY, 1; CILIARY DYSKINESIA, PRIMARY, 1, WITH OR WITHOUT SITUS INVERSUS; POLYNESIAN BRONCHIECTASIS; Dextrocardia bronchiectasis and sinusitis; IMMOTILE CILIA SYNDROME; SIEWERT SYNDROME. Identifiers: Orphanet 244, MedGen C4551906, MONDO:0009484, OMIM 244400.
Primary ciliary dyskinesia 13. Also called: CILIARY DYSKINESIA, PRIMARY, 13, WITH OR WITHOUT SITUS INVERSUS. Identifiers: Orphanet 244, MedGen C2750790, MONDO:0013174, OMIM 613193.

Submissions (5):

Coskunpinar Laboratory, Saglik Bilimleri University, Hamidiye School of Medicine
Classification: Pathogenic for Kartagener syndrome. Last evaluated: 2026-02-02. Review status: criteria provided, single submitter. Criteria: ACMG Guidelines, 2015. Collection method: research. Allele origin: germline. Affected: yes. Observed: 1 variant allele, 1 homozygote.
Comment: Classification aligns with existing ClinVar pathogenic assertions (CLINVAR: RCV000000287.6). Framshift variant in an established primary ciliary dyskinesia disease gene (OMIM:244400), predicted to result in loss of function. Classification is consistent with Qiagen Clinical Insight Interpret assessment which implements ACMG/AMP variant interpretation guidelines.

Blueprint Genetics
Classification: Pathogenic for DNAAF1-related disorders. Last evaluated: 2024-10-09. Review status: criteria provided, single submitter. Criteria: ACMG Guidelines, 2015. Collection method: clinical testing. Allele origin: germline. Affected: yes. Observed: 3 variant alleles.

Labcorp Genetics (formerly Invitae), Labcorp
Classification: Pathogenic for Primary ciliary dyskinesia. Last evaluated: 2023-11-27. Review status: criteria provided, single submitter. Criteria: Invitae Variant Classification Sherloc (09022015). Collection method: clinical testing. Allele origin: germline.
Comment: This sequence change creates a premature translational stop signal (p.Pro451Alafs*6) in the DNAAF1 gene. It is expected to result in an absent or disrupted protein product. Loss-of-function variants in DNAAF1 are known to be pathogenic (PMID: 19944400, 19944405). This variant is not present in population databases (gnomAD no frequency). This premature translational stop signal has been observed in individual(s) with primary ciliary dyskinesia (PMID: 19944400). ClinVar contains an entry for this variant (Variation ID: 263). For these reasons, this variant has been classified as Pathogenic.

OMIM
Classification: Pathogenic for CILIARY DYSKINESIA, PRIMARY, 13. Last evaluated: 2009-12-01. Review status: no assertion criteria provided. Collection method: literature only. Allele origin: germline. Not counted in ClinVar's aggregate classification.

GeneReviews
No classification provided. Condition: Kartagener syndrome. Review status: no classification provided. Collection method: literature only. Allele origin: germline. Affected: yes. Not counted in ClinVar's aggregate classification.

Literature cited by the submitters: PubMed 19944400 (cited by 3 submitters); PubMed 19944405 (cited by Labcorp Genetics (formerly Invitae), Labcorp); NCBI Bookshelf NBK1122 (cited by GeneReviews).

NM_178452.6(DNAAF1):c.1349dup (p.Pro451fs)

Gene: DNAAF1 (dynein axonemal assembly factor 1; plus strand). Cytogenetic location: 16q24.1.
Variant type: Duplication.
Coding change: c.1349dup on transcript NM_178452.6 (MANE Select); coding-DNA position 1349, one base duplicated (C; older notation c.1349dupC).
Protein change: p.Pro451fs; shifts the reading frame from proline 451.
Molecular consequence: frameshift variant.
Genome position (GRCh38, 1-based): chr16:84,170,177, C duplicated; the last of 5 consecutive C bases (chr16:84,170,173-84,170,177); duplicating any one gives the same sequence. VCF-style (leftmost placement, unchanged base first): chr16-84170172-A-AC. GRCh37 (hg19) VCF-style: chr16-84203778-A-AC.
Other names: p.Pro451Alafs*6; c.641dup, p.Pro215fs (NM_001318756.1); c.1349dupC (NM_178452.6); short protein forms P215fs, P451fs.
Identifiers: ClinVar variation 263 (VCV000000263.8), dbSNP rs397515339, ClinGen allele CA251400.